The following is an entry in ClinVar:

ClinVar aggregate classification (germline): Likely benign (1 of 4 stars; one submission).

Submission:

CeGaT Center for Human Genetics Tuebingen
Classification: Likely benign. Last evaluated: 2024-03-01. Review status: criteria provided, single submitter. Criteria: CeGaT Center For Human Genetics Tuebingen Variant Classification Criteria Version 2. Collection method: clinical testing. Allele origin: germline. Affected: yes. Observed: 1 variant allele.
Comment: ACADM: PM2:Supporting, BP4, BP7

NM_000016.6(ACADM):c.495A>G (p.Ala165=)

Gene: ACADM (acyl-CoA dehydrogenase medium chain; plus strand). Cytogenetic location: 1p31.1.
Variant type: single nucleotide variant.
Coding change: c.495A>G on transcript NM_000016.6 (MANE Select); coding-DNA position 495, A replaced by G.
Protein change: p.Ala165=; no amino-acid change (alanine 165 retained).
Molecular consequence: synonymous variant. On other transcripts: 5 prime UTR variant (1).
Genome position (GRCh38, 1-based): chr1:75,740,006, A>G. VCF-style: chr1-75740006-A-G. GRCh37 (hg19) VCF-style: chr1-76205691-A-G.
Other names: c.507A>G, p.Ala169= (NM_001127328.3); c.387A>G, p.Ala129= (NM_001286042.2); c.594A>G, p.Ala198= (NM_001286043.2); c.-73A>G (NM_001286044.2).
Identifiers: ClinVar variation 3067526 (VCV003067526.21), dbSNP rs2525608713, ClinGen allele CA418539893.